The following is an entry in ClinVar:

NM_002458.3(MUC5B):c.11913T>C (p.Pro3971=)

Genes: MUC5B (mucin 5B, oligomeric mucus/gel-forming; plus strand), MUC5B-AS1 (MUC5B antisense RNA 1; minus strand). Cytogenetic location: 11p15.5.
Variant type: single nucleotide variant.
Coding change: c.11913T>C on transcript NM_002458.3 (MANE Select); coding-DNA position 11913, T replaced by C.
Protein change: p.Pro3971=; no amino-acid change (proline 3971 retained).
Molecular consequence: synonymous variant.
Genome position (GRCh38, 1-based): chr11:1,248,793, T>C. VCF-style: chr11-1248793-T-C. GRCh37 (hg19) VCF-style: chr11-1270023-T-C.
Identifiers: ClinVar variation 403190 (VCV000403190.5), dbSNP rs367905040, ClinGen allele CA5807820.
Genomic context (GRCh38, chr11:1,248,793, plus strand): 5'-CACTACGATCACGGCCACCGGCTCCACCACCAACCCCTCCTCAACTCCAGGGACAACACC[T>C]ATCCCCCCAGTGCTGACCACCACCGCCACCACACCTGCAGCCACCAGCAGCACAGTGACT-3'
Protein context (NP_002449.2, residues 3961-3981): TNPSSTPGTT[Pro3971=]IPPVLTTTAT

ClinVar aggregate classification (germline): Likely benign. Review status: criteria provided, multiple submitters, no conflicts (2 of 4 stars). 2 submissions from 2 submitters: Likely benign (2). Last evaluated 2016-03-28.

Allele frequency attached by ClinVar (database versions not stated): ESP Exome Variant Server 0.01292; 1000 Genomes Project 0.01498; ExAC 0.01974; TOPMed 0.02066; gnomAD exomes 0.02500 and 0.03045; gnomAD 0.02842 and 0.02930.
gnomAD v4.1: 46,125 of 1,532,500 alleles (3%); highest among the groups gnomAD compares: Non-Finnish European, 3.3%; 959 homozygotes.

Submissions (2):

Laboratory for Molecular Medicine, Mass General Brigham Personalized Medicine
Classification: Likely benign. Last evaluated: 2016-03-28. Review status: criteria provided, single submitter. Criteria: LMM Criteria. Collection method: clinical testing. Allele origin: germline.
Comment: Variant identified in a genome or exome case(s) and assessed due to predicted null impact of the variant or pathogenic assertions in the literature or databases. Disclaimer: This variant has not undergone full assessment. The following are preliminary notes: Frequency

Breakthrough Genomics
Classification: Likely benign. Review status: criteria provided, single submitter. Criteria: ACMG Guidelines, 2015. Collection method: not provided. Allele origin: germline. Inheritance: Autosomal dominant inheritance. Affected: yes.